The following is an entry in ClinVar:

ClinVar aggregate classification (germline): Uncertain significance (1 of 4 stars; one submission).

Allele frequency attached by ClinVar (database versions not stated): gnomAD exomes below 0.00001; TOPMed below 0.00001; gnomAD 0.00001.
gnomAD v4.1: 2 of 1,613,862 alleles (0.00012%); highest among the groups gnomAD compares: Admixed American, 0.0017%; no homozygotes.

Submission:

GeneDx
Classification: Uncertain significance. Last evaluated: 2019-07-18. Review status: criteria provided, single submitter. Criteria: GeneDx Variant Classification Process June 2021. Collection method: clinical testing. Allele origin: germline. Affected: yes.
Comment: Not observed in large population cohorts (Lek et al., 2016); In silico analysis, which includes protein predictors and evolutionary conservation, supports that this variant does not alter protein structure/function; Has not been previously published as pathogenic or benign to our knowledge

NM_022455.5(NSD1):c.3836A>G (p.Lys1279Arg)

Gene: NSD1 (nuclear receptor binding SET domain protein 1; plus strand). Cytogenetic location: 5q35.3.
Variant type: single nucleotide variant.
Coding change: c.3836A>G on transcript NM_022455.5 (MANE Select); coding-DNA position 3836, A replaced by G.
Protein change: p.Lys1279Arg; replaces lysine 1279 with arginine.
Molecular consequence: missense variant.
Genome position (GRCh38, 1-based): chr5:177,235,860, A>G. VCF-style: chr5-177235860-A-G. GRCh37 (hg19) VCF-style: chr5-176662861-A-G.
Other names: c.2963A>G, p.Lys988Arg (NM_001365684.2, NM_001409306.1, NM_001409307.1 and 3 more transcripts); c.3836A>G, p.Lys1279Arg (NM_001409301.1, NM_001409302.1, NM_001409303.1); c.3416A>G, p.Lys1139Arg (NM_001409304.1); c.3083A>G, p.Lys1028Arg (NM_001409305.1); short protein forms K1010R, K1279R, K1139R, K1028R, K988R.
Identifiers: ClinVar variation 1193277 (VCV001193277.2), dbSNP rs1765400330, ClinGen allele CA362337900.